The following is an entry in ClinVar:

NM_001378454.1(ALMS1):c.10754A>G (p.Lys3585Arg)

Gene: ALMS1 (ALMS1 centrosome and basal body associated protein; plus strand). Cytogenetic location: 2p13.1.
Variant type: single nucleotide variant.
Coding change: c.10754A>G on transcript NM_001378454.1 (MANE Select); coding-DNA position 10754, A replaced by G.
Protein change: p.Lys3585Arg; replaces lysine 3585 with arginine.
Molecular consequence: missense variant.
Genome position (GRCh38, 1-based): chr2:73,572,631, A>G. VCF-style: chr2-73572631-A-G. GRCh37 (hg19) VCF-style: chr2-73799758-A-G.
Other names: c.10757A>G, p.Lys3586Arg (NM_015120.4); short protein forms K3585R, K3586R.
Identifiers: ClinVar variation 3857254 (VCV003857254.2).

ClinVar aggregate classification (germline): Conflicting classifications of pathogenicity. Review status: criteria provided, conflicting classifications (1 of 4 stars). 2 submissions from 2 submitters: Uncertain significance (1); Likely benign (1). Last evaluated 2025-05-01.

Conditions:
Alstrom syndrome (ALMS). Identifiers: Orphanet 64, MedGen C0268425, MONDO:0008763, OMIM 203800.
Cardiovascular phenotype. Identifiers: MedGen CN230736.

gnomAD v4.1: 6 of 1,614,076 alleles (0.00037%); highest among the groups gnomAD compares: Non-Finnish European, 0.00051%; no homozygotes.

Submissions (2):

Labcorp Genetics (formerly Invitae), Labcorp
Classification: Uncertain significance for Alstrom syndrome. Last evaluated: 2025-05-01. Review status: criteria provided, single submitter. Criteria: Invitae Variant Classification Sherloc (09022015). Collection method: clinical testing. Allele origin: germline.
Comment: This sequence change replaces lysine, which is basic and polar, with arginine, which is basic and polar, at codon 3586 of the ALMS1 protein (p.Lys3586Arg). The frequency data for this variant in the population databases is considered unreliable, as metrics indicate poor data quality at this position in the gnomAD database. This variant has not been reported in the literature in individuals affected with ALMS1-related conditions. Experimental studies and prediction algorithms are not available or were not evaluated, and the functional significance of this variant is currently unknown. In summary, the available evidence is currently insufficient to determine the role of this variant in disease. Therefore, it has been classified as a Variant of Uncertain Significance.

Ambry Genetics
Classification: Likely benign for Cardiovascular phenotype. Last evaluated: 2024-12-23. Review status: criteria provided, single submitter. Criteria: Ambry Variant Classification Scheme 2023. Collection method: clinical testing. Allele origin: germline.